The following is an entry in ClinVar:

ClinVar aggregate classification (germline): Uncertain significance (1 of 4 stars; one submission).

Conditions:
Nemaline myopathy 2 (NEM2). Also called: Nemaline myopathy 2, autosomal recessive. Identifiers: MedGen C1850569, MONDO:0009725, OMIM 256030.

gnomAD v4.1: 1 of 1,614,018 alleles (0.000062%); highest among the groups gnomAD compares: South Asian, 0.0011%; no homozygotes.

Submission:

Neuberg Centre For Genomic Medicine, NCGM
Classification: Uncertain significance for Nemaline myopathy 2. Last evaluated: 2023-06-22. Review status: criteria provided, single submitter. Criteria: ACMG Guidelines, 2015. Collection method: clinical testing. Allele origin: germline. Inheritance: Autosomal recessive inheritance. Affected: yes.
Comment: The missense c.4100A>T (p.Asp1367Val) variant in the NEB gene has not been reported previously as a pathogenic variant nor as a benign variant, to our knowledge. This variant is reported with the allele frequency 0.0004% in the gnomAD Exomes. The amino acid Aspartic acid at position 1367 is changed to a Valine changing protein sequence and it might alter its composition and physico-chemical properties. Multiple lines of computational evidence (Polyphen Damaging, SIFT - Damaging and MutationTaster - Disease causing) predict a damaging effect on protein structure and function for this variant The amino acid Aspartic acid in NEB is predicted as conserved by GERP++ and PhyloP across 100 vertebrates. For these reasons, this variant has been classified as Uncertain Significance.

NM_001164508.2(NEB):c.4100A>T (p.Asp1367Val)

Gene: NEB (nebulin; minus strand). Cytogenetic location: 2q23.3.
Variant type: single nucleotide variant.
Coding change: c.4100A>T on transcript NM_001164508.2 (MANE Select); coding-DNA position 4100, A replaced by T.
Protein change: p.Asp1367Val; replaces aspartic acid 1367 with valine.
Molecular consequence: missense variant.
Genome position (GRCh38, 1-based): chr2:151,672,568, T>A on the plus strand (A>T on the coding strand, the complement: NEB is on the minus strand). VCF-style: chr2-151672568-T-A. GRCh37 (hg19) VCF-style: chr2-152529082-T-A.
Other names: c.4100A>T, p.Asp1367Val (NM_001164507.2, NM_001271208.2, NM_004543.5); short protein forms D1367V.
Identifiers: ClinVar variation 3731322 (VCV003731322.1).